The following is an entry in ClinVar:

ClinVar aggregate classification (germline): Uncertain significance (1 of 4 stars; one submission).

Conditions:
Inborn genetic diseases. Identifiers: MedGen C0950123, MeSH D030342.

gnomAD v4.1: 2 of 1,603,992 alleles (0.00012%); highest among the groups gnomAD compares: Non-Finnish European, 0.00017%; no homozygotes.

Submission:

Ambry Genetics
Classification: Uncertain significance for Inborn genetic diseases. Last evaluated: 2026-07-08. Review status: criteria provided, single submitter. Criteria: Ambry Variant Classification Scheme 2023. Collection method: clinical testing. Allele origin: germline.
Comment: The c.4823T>C (p.V1608A) alteration is located in exon 35 (coding exon 34) of the MYO7A gene. This alteration results from a T to C substitution at nucleotide position 4823, causing the valine (V) at amino acid position 1608 to be replaced by an alanine (A). Based on data from gnomAD, the C allele has an overall frequency of <0.001% (1/245516) total alleles studied. The highest observed frequency was 0.001% (1/110938) of European (non-Finnish) alleles. Based on insufficient or conflicting evidence, the clinical significance of this alteration remains unclear.

NM_000260.4(MYO7A):c.4823T>C (p.Val1608Ala)

Gene: MYO7A (myosin VIIA; plus strand). Cytogenetic location: 11q13.5.
Variant type: single nucleotide variant.
Coding change: c.4823T>C on transcript NM_000260.4 (MANE Select); coding-DNA position 4823, T replaced by C.
Protein change: p.Val1608Ala; replaces valine 1608 with alanine.
Molecular consequence: missense variant.
Genome position (GRCh38, 1-based): chr11:77,199,789, T>C. VCF-style: chr11-77199789-T-C. GRCh37 (hg19) VCF-style: chr11-76910834-T-C.
Other names: c.4709T>C, p.Val1570Ala (NM_001127180.2); c.4676T>C, p.Val1559Ala (NM_001369365.1); short protein forms V1559A, V1608A, V1570A.
Identifiers: ClinVar variation 5025253 (VCV005025253.1).